The following is an entry in ClinVar:

NM_138694.4(PKHD1):c.8642+1G>C

Gene: PKHD1 (PKHD1 ciliary IPT domain containing fibrocystin/polyductin; minus strand). Cytogenetic location: 6p12.3.
Variant type: single nucleotide variant.
Coding change: c.8642+1G>C on transcript NM_138694.4 (MANE Select); the canonical splice donor site of the intron after coding-DNA position 8642, G replaced by C.
Molecular consequence: splice donor variant.
Genome position (GRCh38, 1-based): chr6:51,772,701, C>G on the plus strand (G>C on the coding strand, the complement: PKHD1 is on the minus strand). VCF-style: chr6-51772701-C-G. GRCh37 (hg19) VCF-style: chr6-51637499-C-G.
Other names: c.8642+1G>C (NM_170724.3).
Identifiers: ClinVar variation 4816779 (VCV004816779.1).

ClinVar aggregate classification (germline): Pathogenic (1 of 4 stars; one submission).

Conditions:
Autosomal recessive polycystic kidney disease (ARPKD). Also called: AR polycystic kidney disease. Identifiers: Orphanet 731, Orphanet 8378, MedGen C0085548, MeSH D017044, MONDO:0009889.

Submission:

Natera, Inc.
Classification: Pathogenic for Autosomal recessive polycystic kidney disease. Last evaluated: 2025-05-30. Review status: criteria provided, single submitter. Criteria: Natera Variant Classification Schema (03/2026). Collection method: clinical testing. Allele origin: germline.
Comment: The c.8642+1G>C variant in PKHD1 is a canonical splice donor site variant predicted to affect pre-mRNA splicing, which may result in an abnormal transcript and altered protein product. This variant is expected to result in nonsense mediated decay, truncation, or a dysfunctional protein product. This variant is rare in the general population with a frequency below the threshold expected for the associated phenotype(s). Another variant at this same site results in an alteration predicted to cause a similar molecular effect has been observed in individual(s) with the associated phenotype. Given the available evidence, this variant is classified as Pathogenic.